The following is an entry in ClinVar:

ClinVar aggregate classification (germline): Uncertain significance (1 of 4 stars; one submission).

gnomAD v4.1: 6 of 1,582,002 alleles (0.00038%); highest among the groups gnomAD compares: African/African-American, 0.0054%; no homozygotes.

Submission:

GeneDx
Classification: Uncertain significance. Last evaluated: 2023-06-23. Review status: criteria provided, single submitter. Criteria: GeneDx Variant Classification Process June 2021. Collection method: clinical testing. Allele origin: germline. Affected: yes.
Comment: In silico analysis supports that this missense variant does not alter protein structure/function; Has not been previously published as pathogenic or benign to our knowledge

NM_144991.3(TSPEAR):c.140G>A (p.Gly47Glu)

Gene: TSPEAR (thrombospondin type laminin G domain and EAR repeats; minus strand). Cytogenetic location: 21q22.3.
Variant type: single nucleotide variant.
Coding change: c.140G>A on transcript NM_144991.3 (MANE Select); coding-DNA position 140, G replaced by A.
Protein change: p.Gly47Glu; replaces glycine 47 with glutamic acid.
Molecular consequence: missense variant. On other transcripts: 5 prime UTR variant (1).
Genome position (GRCh38, 1-based): chr21:44,567,948, C>T on the plus strand (G>A on the coding strand, the complement: TSPEAR is on the minus strand). VCF-style: chr21-44567948-C-T. GRCh37 (hg19) VCF-style: chr21-45987832-C-T.
Other names: c.-65G>A (NM_001272037.2); short protein forms G47E.
Identifiers: ClinVar variation 3360087 (VCV003360087.1).